The following is an entry in ClinVar:

ClinVar aggregate classification (germline): Likely benign. Review status: criteria provided, single submitter (1 of 4 stars). 2 submissions from 2 submitters: Likely benign (1). 1 of the submissions does not count toward it. Last evaluated 2024-10-22.

Conditions:
CHD3-related disorder. Also called: CHD3-related condition.

Allele frequency attached by ClinVar (database versions not stated): TOPMed 0.00012; 1000 Genomes Project 30x 0.00016; ESP Exome Variant Server 0.00023.
gnomAD v4.1: 820 of 1,607,810 alleles (0.051%); highest among the groups gnomAD compares: Non-Finnish European, 0.015%; 1 homozygote.

Submissions (2):

Blueprint Genetics
Classification: Likely benign. Last evaluated: 2024-10-22. Review status: criteria provided, single submitter. Criteria: ACMG Guidelines, 2015. Collection method: clinical testing. Allele origin: germline.

PreventionGenetics, part of Exact Sciences
Classification: Benign for CHD3-related condition. Last evaluated: 2019-03-05. Review status: no assertion criteria provided. Collection method: clinical testing. Allele origin: germline. Not counted in ClinVar's aggregate classification.
Comment: This variant is classified as benign based on ACMG/AMP sequence variant interpretation guidelines (Richards et al. 2015 PMID: 25741868, with internal and published modifications).

NM_001005273.3(CHD3):c.4789-10C>G

Gene: CHD3 (chromodomain helicase DNA binding protein 3; plus strand). Cytogenetic location: 17p13.1.
Variant type: single nucleotide variant.
Coding change: c.4789-10C>G on transcript NM_001005273.3 (MANE Select); 10 bases into the intron before coding-DNA position 4789, C replaced by G.
Molecular consequence: intron variant.
Genome position (GRCh38, 1-based): chr17:7,907,343, C>G. VCF-style: chr17-7907343-C-G. GRCh37 (hg19) VCF-style: chr17-7810661-C-G.
Other names: c.4966-10C>G (NM_001005271.3); c.4789-10C>G (NM_005852.4).
Identifiers: ClinVar variation 3049260 (VCV003049260.3), dbSNP rs201488618, ClinGen allele CA8363483.
Genomic context (GRCh38, chr17:7,907,343, plus strand): 5'-GGGGAGGGGGCTTGGAGGCCAGGTACCTGGGAGCCCTCTGGCTCATCCTGACCCCATTGT[C>G]CTCTTCCAGGCTGATGCCCCCAGCCCAGCCCCATCACTTGGGGAGCGGCTGGAGCCAAGG-3'